The following is an entry in ClinVar:

NM_016239.4(MYO15A):c.1144G>A (p.Glu382Lys)

Gene: MYO15A (myosin XVA; plus strand). Cytogenetic location: 17p11.2.
Variant type: single nucleotide variant.
Coding change: c.1144G>A on transcript NM_016239.4 (MANE Select); coding-DNA position 1144, G replaced by A.
Protein change: p.Glu382Lys; replaces glutamic acid 382 with lysine.
Molecular consequence: missense variant.
Genome position (GRCh38, 1-based): chr17:18,119,944, G>A. VCF-style: chr17-18119944-G-A. GRCh37 (hg19) VCF-style: chr17-18023258-G-A.
Other names: short protein forms E382K.
Identifiers: ClinVar variation 2247026 (VCV002247026.3), dbSNP rs758452758, ClinGen allele CA398577308.
Genomic context (GRCh38, chr17:18,119,944, plus strand): 5'-ACTCCCTACGATGTACCCTACTTTGATCCCTACGGAGTCCACTACACCGTCCCCTATGCC[G>A]AAGGCGTCTATGGCGGTGGGGACGAGGCCATCTACCCCCCCGAGGTGCCCTATTTTTACC-3'
Protein context (NP_057323.3, residues 372-392): YGVHYTVPYA[Glu382Lys]GVYGGGDEAI

ClinVar aggregate classification (germline): Uncertain significance. Review status: criteria provided, multiple submitters, no conflicts (2 of 4 stars). 2 submissions from 2 submitters: Uncertain significance (2). Last evaluated 2025-07-20.

Conditions:
Inborn genetic diseases. Identifiers: MedGen C0950123, MeSH D030342.

Allele frequency attached by ClinVar (database versions not stated): TOPMed 0.00001.

Submissions (2):

Labcorp Genetics (formerly Invitae), Labcorp
Classification: Uncertain significance. Last evaluated: 2025-07-20. Review status: criteria provided, single submitter. Criteria: Invitae Variant Classification Sherloc (09022015). Collection method: clinical testing. Allele origin: germline.
Comment: This sequence change replaces glutamic acid, which is acidic and polar, with lysine, which is basic and polar, at codon 382 of the MYO15A protein (p.Glu382Lys). This variant is present in population databases (no rsID available, gnomAD 0.01%). This variant has not been reported in the literature in individuals affected with MYO15A-related conditions. ClinVar contains an entry for this variant (Variation ID: 2247026). Invitae Evidence Modeling of protein sequence and biophysical properties (such as structural, functional, and spatial information, amino acid conservation, physicochemical variation, residue mobility, and thermodynamic stability) indicates that this missense variant is not expected to disrupt MYO15A protein function with a negative predictive value of 95%. In summary, the available evidence is currently insufficient to determine the role of this variant in disease. Therefore, it has been classified as a Variant of Uncertain Significance.

Ambry Genetics
Classification: Uncertain significance for Inborn genetic diseases. Last evaluated: 2021-08-30. Review status: criteria provided, single submitter. Criteria: Ambry Variant Classification Scheme 2023. Collection method: clinical testing. Allele origin: germline.